The following is an entry in ClinVar:

NM_182961.4(SYNE1):c.7775G>T (p.Gly2592Val)

Gene: SYNE1 (spectrin repeat containing nuclear envelope protein 1; minus strand). Cytogenetic location: 6q25.2.
Variant type: single nucleotide variant.
Coding change: c.7775G>T on transcript NM_182961.4 (MANE Select); coding-DNA position 7775, G replaced by T.
Protein change: p.Gly2592Val; replaces glycine 2592 with valine.
Molecular consequence: missense variant.
Genome position (GRCh38, 1-based): chr6:152,391,506, C>A on the plus strand (G>T on the coding strand, the complement: SYNE1 is on the minus strand). VCF-style: chr6-152391506-C-A. GRCh37 (hg19) VCF-style: chr6-152712641-C-A.
Other names: c.7796G>T, p.Gly2599Val (NM_033071.5); short protein forms G2599V, G2592V.
Identifiers: ClinVar variation 651180 (VCV000651180.8), dbSNP rs528549317, ClinGen allele CA4057687.

ClinVar aggregate classification (germline): Uncertain significance. Review status: criteria provided, multiple submitters, no conflicts (2 of 4 stars). 2 submissions from 2 submitters: Uncertain significance (2). Last evaluated 2025-04-24.

Conditions:
Emery-Dreifuss muscular dystrophy 4, autosomal dominant (EDMD4). Also called: EMERY-DREIFUSS MUSCULAR DYSTROPHY 4 WITH VARIABLE FEATURES. Identifiers: Orphanet 261, MedGen C2751807, MONDO:0013071, OMIM 612998.
Autosomal recessive ataxia, Beauce type. Also called: Spinocerebellar ataxia, autosomal recessive 8; ATAXIA, RECESSIVE, OF BEAUCE; SYNE1-Related Autosomal Recessive Cerebellar Ataxia; SYNE1 Deficiency. Identifiers: Orphanet 88644, MedGen C1853116, MONDO:0012549, OMIM 610743.

Allele frequency attached by ClinVar (database versions not stated): gnomAD 0.00001; gnomAD exomes 0.00002 and 0.00005; ExAC 0.00005; 1000 Genomes Project 30x 0.00016; 1000 Genomes Project 0.00020.
gnomAD v4.1: 30 of 1,613,060 alleles (0.0019%); highest among the groups gnomAD compares: South Asian, 0.033%; no homozygotes.

Submissions (2):

Revvity Omics, Revvity
Classification: Uncertain significance. Last evaluated: 2025-04-24. Review status: criteria provided, single submitter. Criteria: ACMG Guidelines, 2015. Collection method: clinical testing. Allele origin: germline.

Labcorp Genetics (formerly Invitae), Labcorp
Classification: Uncertain significance for Emery-Dreifuss muscular dystrophy 4, autosomal dominant; Autosomal recessive ataxia, Beauce type. Last evaluated: 2022-05-30. Review status: criteria provided, single submitter. Criteria: Invitae Variant Classification Sherloc (09022015). Collection method: clinical testing. Allele origin: germline.
Comment: This sequence change replaces glycine, which is neutral and non-polar, with valine, which is neutral and non-polar, at codon 2599 of the SYNE1 protein (p.Gly2599Val). This variant is present in population databases (rs528549317, gnomAD 0.04%). This variant has not been reported in the literature in individuals affected with SYNE1-related conditions. ClinVar contains an entry for this variant (Variation ID: 651180). Algorithms developed to predict the effect of missense changes on protein structure and function (SIFT, PolyPhen-2, Align-GVGD) all suggest that this variant is likely to be disruptive. In summary, the available evidence is currently insufficient to determine the role of this variant in disease. Therefore, it has been classified as a Variant of Uncertain Significance.